The following is an entry in ClinVar:

NM_130384.3(ATRIP):c.53C>T (p.Pro18Leu)

Genes: ATRIP (ATR interacting protein; plus strand), ATRIP-TREX1 (ATRIP-TREX1 readthrough; plus strand), LOC129936703 (ATAC-STARR-seq lymphoblastoid silent region 14331; plus strand). Cytogenetic location: 3p21.31.
Variant type: single nucleotide variant.
Coding change: c.53C>T on transcript NM_130384.3 (MANE Select); coding-DNA position 53, C replaced by T.
Protein change: p.Pro18Leu; replaces proline 18 with leucine.
Molecular consequence: missense variant. On other transcripts: non-coding transcript variant (1), intron variant (1).
Genome position (GRCh38, 1-based): chr3:48,446,898, C>T. VCF-style: chr3-48446898-C-T. GRCh37 (hg19) VCF-style: chr3-48488302-C-T.
Other names: c.53C>T, p.Pro18Leu (NM_032166.4); c.-218+99C>T (NM_001271022.2); short protein forms P18L.
Identifiers: ClinVar variation 3976632 (VCV003976632.1).

ClinVar aggregate classification (germline): Uncertain significance (1 of 4 stars; one submission).

gnomAD v4.1: 3 of 1,389,044 alleles (0.00022%); highest among the groups gnomAD compares: African/African-American, 0.0045%; no homozygotes.

Submission:

Ambry Genetics
Classification: Uncertain significance. Last evaluated: 2025-05-18. Review status: criteria provided, single submitter. Criteria: Ambry Variant Classification Scheme 2023. Collection method: clinical testing. Allele origin: germline.
Comment: The p.P18L variant (also known as c.53C>T), located in coding exon 1 of the ATRIP gene, results from a C to T substitution at nucleotide position 53. The proline at codon 18 is replaced by leucine, an amino acid with similar properties. This amino acid position is conserved. In addition, this alteration is predicted to be tolerated by in silico analysis. Based on the available evidence, the clinical significance of this variant remains unclear.